The following is an entry in ClinVar:

NM_024675.4(PALB2):c.3544G>C (p.Val1182Leu)

Gene: PALB2 (partner and localizer of BRCA2; minus strand). Cytogenetic location: 16p12.2.
Variant type: single nucleotide variant.
Coding change: c.3544G>C on transcript NM_024675.4 (MANE Select); coding-DNA position 3544, G replaced by C.
Protein change: p.Val1182Leu; replaces valine 1182 with leucine.
Molecular consequence: missense variant.
Genome position (GRCh38, 1-based): chr16:23,603,476, C>G on the plus strand (G>C on the coding strand, the complement: PALB2 is on the minus strand). VCF-style: chr16-23603476-C-G. GRCh37 (hg19) VCF-style: chr16-23614797-C-G.
Other names: short protein forms V1182L.
Identifiers: ClinVar variation 233540 (VCV000233540.15), dbSNP rs876660474, ClinGen allele CA10579910.

ClinVar aggregate classification (germline): Conflicting classifications of pathogenicity. Review status: criteria provided, conflicting classifications (1 of 4 stars). 2 submissions from 2 submitters: Uncertain significance (1); Likely benign (1). Last evaluated 2025-12-04.

Conditions:
Familial cancer of breast. Also called: BREAST CANCER, FAMILIAL; hereditary breast carcinoma; Hereditary breast cancer. Identifiers: Orphanet 227535, MedGen C0346153, MONDO:0016419, OMIM 114480. Disease mechanism: loss of function.
Hereditary cancer-predisposing syndrome. Also called: Neoplastic Syndromes, Hereditary; Tumor predisposition; Hereditary Cancer Syndrome; Hereditary neoplastic syndrome. Identifiers: Orphanet 140162, MedGen C0027672, MeSH D009386, MONDO:0015356.

gnomAD v4.1: 1 of 1,613,230 alleles (0.000062%); highest among the groups gnomAD compares: Non-Finnish European, 0.000085%; no homozygotes.

Submissions (2):

Labcorp Genetics (formerly Invitae), Labcorp
Classification: Uncertain significance for Familial cancer of breast. Last evaluated: 2025-12-04. Review status: criteria provided, single submitter. Criteria: Invitae Variant Classification Sherloc (09022015). Collection method: clinical testing. Allele origin: germline.
Comment: This sequence change replaces valine, which is neutral and non-polar, with leucine, which is neutral and non-polar, at codon 1182 of the PALB2 protein (p.Val1182Leu). This variant is not present in population databases (gnomAD no frequency). This variant has not been reported in the literature in individuals affected with PALB2-related conditions. ClinVar contains an entry for this variant (Variation ID: 233540). An algorithm developed to predict the effect of missense changes on protein structure and function (PolyPhen-2) suggests that this variant is likely to be tolerated. In summary, the available evidence is currently insufficient to determine the role of this variant in disease. Therefore, it has been classified as a Variant of Uncertain Significance.

Ambry Genetics
Classification: Likely benign for Hereditary cancer-predisposing syndrome. Last evaluated: 2024-03-27. Review status: criteria provided, single submitter. Criteria: Ambry Variant Classification Scheme 2023. Collection method: clinical testing. Allele origin: germline.

Literature cited by the submitters: PubMed 33471991 (cited by Ambry Genetics).